The following is an entry in ClinVar:

ClinVar aggregate classification (germline): Uncertain significance (1 of 4 stars; one submission).

Conditions:
Hyperaldosteronism, familial, type IV (HALD4). Also called: FH IV; ALDOSTERONISM, PRIMARY, AND HYPERTENSION. Identifiers: Orphanet 642671, MedGen C4310756, MONDO:0014875, OMIM 617027.
Idiopathic generalized epilepsy. Also called: EIG; Generalised epilepsy. Identifiers: MedGen C0270850, MONDO:0005579, OMIM 600669.

Submission:

Labcorp Genetics (formerly Invitae), Labcorp
Classification: Uncertain significance for Idiopathic generalized epilepsy; Hyperaldosteronism, familial, type IV. Last evaluated: 2023-11-04. Review status: criteria provided, single submitter. Criteria: Invitae Variant Classification Sherloc (09022015). Collection method: clinical testing. Allele origin: germline.
Comment: This sequence change replaces arginine, which is basic and polar, with leucine, which is neutral and non-polar, at codon 903 of the CACNA1H protein (p.Arg903Leu). This variant is not present in population databases (gnomAD no frequency). This variant has not been reported in the literature in individuals affected with CACNA1H-related conditions. Advanced modeling of protein sequence and biophysical properties (such as structural, functional, and spatial information, amino acid conservation, physicochemical variation, residue mobility, and thermodynamic stability) performed at Invitae indicates that this missense variant is expected to disrupt CACNA1H protein function with a positive predictive value of 80%. In summary, the available evidence is currently insufficient to determine the role of this variant in disease. Therefore, it has been classified as a Variant of Uncertain Significance.

NM_021098.3(CACNA1H):c.2708G>T (p.Arg903Leu)

Gene: CACNA1H (calcium voltage-gated channel subunit alpha1 H; plus strand). Cytogenetic location: 16p13.3.
Variant type: single nucleotide variant.
Coding change: c.2708G>T on transcript NM_021098.3 (MANE Select); coding-DNA position 2708, G replaced by T.
Protein change: p.Arg903Leu; replaces arginine 903 with leucine.
Molecular consequence: missense variant.
Genome position (GRCh38, 1-based): chr16:1,206,208, G>T. VCF-style: chr16-1206208-G-T. GRCh37 (hg19) VCF-style: chr16-1256208-G-T.
Other names: c.2708G>T, p.Arg903Leu (NM_001005407.2); short protein forms R903L.
Identifiers: ClinVar variation 2938115 (VCV002938115.3), dbSNP rs1057520721, ClinGen allele CA394169044.